The following is an entry in ClinVar:

ClinVar aggregate classification (germline): Conflicting classifications of pathogenicity. Review status: criteria provided, conflicting classifications (1 of 4 stars). 5 submissions from 5 submitters: Uncertain significance (4); Benign (1). Last evaluated 2025-09-09.

Conditions:
Hereditary cancer-predisposing syndrome. Also called: Hereditary neoplastic syndrome; Hereditary Cancer Syndrome; Neoplastic Syndromes, Hereditary; Tumor predisposition. Identifiers: Orphanet 140162, MedGen C0027672, MeSH D009386, MONDO:0015356.
Familial adenomatous polyposis 2. Also called: MYH-associated polyposis; COLORECTAL ADENOMATOUS POLYPOSIS, AUTOSOMAL RECESSIVE; ADENOMAS, MULTIPLE COLORECTAL, AUTOSOMAL RECESSIVE; MUTYH-related attenuated familial adenomatous polyposis; Adenomas, multiple colorectal; FAP type 2. Identifiers: Orphanet 220460, Orphanet 247798, MedGen C3272841, MONDO:0012041, OMIM 608456.

Allele frequency attached by ClinVar (database versions not stated): gnomAD exomes 0.00001; TOPMed 0.00002.
gnomAD v4.1: 18 of 1,614,182 alleles (0.0011%); highest among the groups gnomAD compares: South Asian, 0.019%; no homozygotes.

Submissions (5):

Ambry Genetics
Classification: Benign for Hereditary cancer-predisposing syndrome. Last evaluated: 2025-09-09. Review status: criteria provided, single submitter. Criteria: Ambry Variant Classification Scheme 2023. Collection method: clinical testing. Allele origin: germline.

Labcorp Genetics (formerly Invitae), Labcorp
Classification: Uncertain significance for Familial adenomatous polyposis 2. Last evaluated: 2025-08-07. Review status: criteria provided, single submitter. Criteria: Invitae Variant Classification Sherloc (09022015). Collection method: clinical testing. Allele origin: germline.
Comment: This sequence change replaces aspartic acid, which is acidic and polar, with asparagine, which is neutral and polar, at codon 540 of the MUTYH protein (p.Asp540Asn). This variant is present in population databases (no rsID available, gnomAD 0.006%). This variant has not been reported in the literature in individuals affected with MUTYH-related conditions. ClinVar contains an entry for this variant (Variation ID: 492027). An algorithm developed to predict the effect of missense changes on protein structure and function (PolyPhen-2) suggests that this variant is likely to be tolerated. In summary, the available evidence is currently insufficient to determine the role of this variant in disease. Therefore, it has been classified as a Variant of Uncertain Significance.

GeneDx
Classification: Uncertain significance. Last evaluated: 2025-07-02. Review status: criteria provided, single submitter. Criteria: GeneDx Variant Classification Process June 2021. Collection method: clinical testing. Allele origin: germline. Affected: yes.
Comment: Not observed at significant frequency in large population cohorts (gnomAD); In silico analysis suggests that this missense variant does not alter protein structure/function; Observed in a patient suspected of having hereditary breast and ovarian cancer syndrome (PMID: 38136308); This variant is associated with the following publications: (PMID: 11092888, 23108399, 38136308)

Color Diagnostics, LLC DBA Color Health
Classification: Uncertain significance for Hereditary cancer-predisposing syndrome. Last evaluated: 2023-12-05. Review status: criteria provided, single submitter. Criteria: ACMG Guidelines, 2015. Collection method: clinical testing. Allele origin: germline.
Comment: This missense variant replaces aspartic acid with asparagine at codon 540 of the MUTYH protein. Computational prediction suggests that this variant may not impact protein structure and function (internally defined REVEL score threshold <= 0.5, PMID: 27666373). To our knowledge, functional studies have not been reported for this variant. This variant has not been reported in individuals affected with MUTYH-related disorders in the literature. This variant has been identified in 2/251496 chromosomes in the general population by the Genome Aggregation Database (gnomAD). The available evidence is insufficient to determine the role of this variant in disease conclusively. Therefore, this variant is classified as a Variant of Uncertain Significance.

Baylor Genetics
Classification: Uncertain significance for Familial adenomatous polyposis 2. Last evaluated: 2023-05-31. Review status: criteria provided, single submitter. Criteria: ACMG Guidelines, 2015. Collection method: clinical testing. Allele origin: unknown.

NM_001048174.2(MUTYH):c.1534G>A (p.Asp512Asn)

Gene: MUTYH (mutY DNA glycosylase; minus strand). Cytogenetic location: 1p34.1.
Variant type: single nucleotide variant.
Coding change: c.1534G>A on transcript NM_001048174.2 (MANE Select); coding-DNA position 1534, G replaced by A.
Protein change: p.Asp512Asn; replaces aspartic acid 512 with asparagine.
Molecular consequence: missense variant. On other transcripts: non-coding transcript variant (2).
Genome position (GRCh38, 1-based): chr1:45,329,338, C>T on the plus strand (G>A on the coding strand, the complement: MUTYH is on the minus strand). VCF-style: chr1-45329338-C-T. GRCh37 (hg19) VCF-style: chr1-45795010-C-T.
Other names: c.1534G>A, p.Asp512Asn (NM_001048171.2, NM_001048173.2, NM_001293195.2); c.1537G>A, p.Asp513Asn (NM_001048172.2); c.1618G>A, p.Asp540Asn (NM_001128425.2); c.1579G>A, p.Asp527Asn (NM_001293190.2); c.1567G>A, p.Asp523Asn (NM_001293191.2); c.1258G>A, p.Asp420Asn (NM_001293192.2, NM_001293196.2); c.1189G>A, p.Asp397Asn (NM_001350650.2, NM_001350651.2); c.1609G>A, p.Asp537Asn (NM_012222.3); short protein forms D540N, D397N, D512N, D513N, D537N, D420N, D523N, D527N.
Identifiers: ClinVar variation 492027 (VCV000492027.22), dbSNP rs1439243449, ClinGen allele CA340131573.